The following is an entry in ClinVar:

NM_002709.3(PPP1CB):c.16C>G (p.Leu6Val)

Gene: PPP1CB (protein phosphatase 1 catalytic subunit beta; plus strand). Cytogenetic location: 2p23.2.
Variant type: single nucleotide variant.
Coding change: c.16C>G on transcript NM_002709.3 (MANE Select); coding-DNA position 16, C replaced by G.
Protein change: p.Leu6Val; replaces leucine 6 with valine.
Molecular consequence: missense variant.
Genome position (GRCh38, 1-based): chr2:28,752,140, C>G. VCF-style: chr2-28752140-C-G. GRCh37 (hg19) VCF-style: chr2-28975006-C-G.
Other names: c.16C>G (NM_206876.1); c.16C>G, p.Leu6Val (NM_206876.2); short protein forms L6V.
Identifiers: ClinVar variation 1721794 (VCV001721794.6), dbSNP rs2465671035, ClinGen allele CA346584355.

ClinVar aggregate classification (germline): Uncertain significance. Review status: criteria provided, multiple submitters, no conflicts (2 of 4 stars). 2 submissions from 2 submitters: Uncertain significance (2). Last evaluated 2025-10-14.

Conditions:
Cardiovascular phenotype. Identifiers: MedGen CN230736.

Submissions (2):

Ambry Genetics
Classification: Uncertain significance for Cardiovascular phenotype. Last evaluated: 2025-10-14. Review status: criteria provided, single submitter. Criteria: Ambry Variant Classification Scheme 2023. Collection method: clinical testing. Allele origin: germline.
Comment: The p.L6V variant (also known as c.16C>G), located in coding exon 1 of the PPP1CB gene, results from a C to G substitution at nucleotide position 16. The leucine at codon 6 is replaced by valine, an amino acid with highly similar properties. This amino acid position is conserved. In addition, this alteration is predicted to be tolerated by in silico analysis. Based on the available evidence, the clinical significance of this variant remains unclear.

Labcorp Genetics (formerly Invitae), Labcorp
Classification: Uncertain significance. Last evaluated: 2025-07-27. Review status: criteria provided, single submitter. Criteria: Invitae Variant Classification Sherloc (09022015). Collection method: clinical testing. Allele origin: germline.
Comment: This sequence change replaces leucine, which is neutral and non-polar, with valine, which is neutral and non-polar, at codon 6 of the PPP1CB protein (p.Leu6Val). This variant is not present in population databases (gnomAD no frequency). This variant has not been reported in the literature in individuals affected with PPP1CB-related conditions. ClinVar contains an entry for this variant (Variation ID: 1721794). An algorithm developed to predict the effect of missense changes on protein structure and function (PolyPhen-2) suggests that this variant is likely to be tolerated. In summary, the available evidence is currently insufficient to determine the role of this variant in disease. Therefore, it has been classified as a Variant of Uncertain Significance.